The following is an entry in ClinVar:

NM_052947.4(ALPK2):c.3743T>C (p.Ile1248Thr)

Genes: ALPK2 (alpha kinase 2; minus strand), LOC126862764 (BRD4-independent group 4 enhancer GRCh37_chr18:56202574-56203773; plus strand). Cytogenetic location: 18q21.31.
Variant type: single nucleotide variant.
Coding change: c.3743T>C on transcript NM_052947.4 (MANE Select); coding-DNA position 3743, T replaced by C.
Protein change: p.Ile1248Thr; replaces isoleucine 1248 with threonine.
Molecular consequence: missense variant.
Genome position (GRCh38, 1-based): chr18:58,536,444, A>G on the plus strand (T>C on the coding strand, the complement: ALPK2 is on the minus strand). VCF-style: chr18-58536444-A-G. GRCh37 (hg19) VCF-style: chr18-56203676-A-G.
Other names: short protein forms I1248T.
Identifiers: ClinVar variation 1734495 (VCV001734495.3), dbSNP rs2518876034, ClinGen allele CA402565812.

ClinVar aggregate classification (germline): Uncertain significance (1 of 4 stars; one submission).

Allele frequency attached by ClinVar (database versions not stated): gnomAD exomes below 0.00001.
gnomAD v4.1: 1 of 1,614,122 alleles (0.000062%); highest among the groups gnomAD compares: South Asian, 0.0011%; no homozygotes.

Submission:

Ambry Genetics
Classification: Uncertain significance. Last evaluated: 2022-04-19. Review status: criteria provided, single submitter. Criteria: Ambry Variant Classification Scheme 2023. Collection method: clinical testing. Allele origin: germline.
Comment: The p.I1248T variant (also known as c.3743T>C), located in coding exon 4 of the ALPK2 gene, results from a T to C substitution at nucleotide position 3743. The isoleucine at codon 1248 is replaced by threonine, an amino acid with similar properties. This amino acid position is conserved. In addition, this alteration is predicted to be tolerated by in silico analysis. Since supporting evidence is limited at this time, the clinical significance of this alteration remains unclear.